The following is an entry in ClinVar:

ClinVar aggregate classification (germline): Uncertain significance (1 of 4 stars; one submission).

Allele frequency attached by ClinVar (database versions not stated): gnomAD 0.00003 and 0.00008; TOPMed 0.00006; ESP Exome Variant Server 0.00008; gnomAD exomes 0.00014 and 0.00028; ExAC 0.00030.
gnomAD v4.1: 212 of 1,614,020 alleles (0.013%); highest among the groups gnomAD compares: South Asian, 0.16%; 3 homozygotes.

Submission:

Labcorp Genetics (formerly Invitae), Labcorp
Classification: Uncertain significance. Last evaluated: 2026-01-12. Review status: criteria provided, single submitter. Criteria: Invitae Variant Classification Sherloc (09022015). Collection method: clinical testing. Allele origin: germline.
Comment: This sequence change replaces arginine, which is basic and polar, with histidine, which is basic and polar, at codon 268 of the SPARC protein (p.Arg268His). This variant is present in population databases (rs142717464, gnomAD 0.2%). This variant has not been reported in the literature in individuals affected with SPARC-related conditions. ClinVar contains an entry for this variant (Variation ID: 1385422). Invitae Evidence Modeling of protein sequence and biophysical properties (such as structural, functional, and spatial information, amino acid conservation, physicochemical variation, residue mobility, and thermodynamic stability) indicates that this missense variant is not expected to disrupt SPARC protein function with a negative predictive value of 80%. In summary, the available evidence is currently insufficient to determine the role of this variant in disease. Therefore, it has been classified as a Variant of Uncertain Significance.

NM_003118.4(SPARC):c.803G>A (p.Arg268His)

Genes: SPARC (secreted protein acidic and cysteine rich; minus strand), LOC126807556 (MED14-independent group 3 enhancer GRCh37_chr5:151042798-151043997; plus strand). Cytogenetic location: 5q33.1.
Variant type: single nucleotide variant.
Coding change: c.803G>A on transcript NM_003118.4 (MANE Select); coding-DNA position 803, G replaced by A.
Protein change: p.Arg268His; replaces arginine 268 with histidine.
Molecular consequence: missense variant.
Genome position (GRCh38, 1-based): chr5:151,664,167, C>T on the plus strand (G>A on the coding strand, the complement: SPARC is on the minus strand). VCF-style: chr5-151664167-C-T. GRCh37 (hg19) VCF-style: chr5-151043728-C-T.
Other names: c.800G>A, p.Arg267His (NM_001309443.2); c.803G>A, p.Arg268His (NM_001309444.2); short protein forms R268H, R267H.
Identifiers: ClinVar variation 1385422 (VCV001385422.4), dbSNP rs142717464, ClinGen allele CA3522571.